The following is an entry in ClinVar:

NM_000260.4(MYO7A):c.4422T>G (p.Tyr1474Ter)

Gene: MYO7A (myosin VIIA; plus strand). Cytogenetic location: 11q13.5.
Variant type: single nucleotide variant.
Coding change: c.4422T>G on transcript NM_000260.4 (MANE Select); coding-DNA position 4422, T replaced by G.
Protein change: p.Tyr1474Ter; replaces tyrosine 1474 with a stop codon.
Molecular consequence: nonsense.
Genome position (GRCh38, 1-based): chr11:77,197,579, T>G. VCF-style: chr11-77197579-T-G. GRCh37 (hg19) VCF-style: chr11-76908624-T-G.
Other names: c.4422T>G, p.Tyr1474Ter (NM_001127180.2); c.4389T>G, p.Tyr1463Ter (NM_001369365.1); short protein forms Y1463*, Y1474*.
Identifiers: ClinVar variation 1068524 (VCV001068524.7), dbSNP rs2135658805, ClinGen allele CA381950143.

ClinVar aggregate classification (germline): Pathogenic (1 of 4 stars; one submission).

Submission:

Labcorp Genetics (formerly Invitae), Labcorp
Classification: Pathogenic. Last evaluated: 2022-09-19. Review status: criteria provided, single submitter. Criteria: Invitae Variant Classification Sherloc (09022015). Collection method: clinical testing. Allele origin: germline.
Comment: This sequence change creates a premature translational stop signal (p.Tyr1474*) in the MYO7A gene. It is expected to result in an absent or disrupted protein product. Loss-of-function variants in MYO7A are known to be pathogenic (PMID: 8900236, 25404053). This variant is not present in population databases (gnomAD no frequency). This variant has not been reported in the literature in individuals affected with MYO7A-related conditions. ClinVar contains an entry for this variant (Variation ID: 1068524). For these reasons, this variant has been classified as Pathogenic. Algorithms developed to predict the effect of sequence changes on RNA splicing suggest that this variant may create or strengthen a splice site.

Literature cited by the submitters: PubMed 8900236; PubMed 25404053.